The following is an entry in ClinVar:

ClinVar aggregate classification (germline): Pathogenic/Likely pathogenic. Review status: criteria provided, multiple submitters, no conflicts (2 of 4 stars). 9 submissions from 9 submitters: Pathogenic (7); Likely pathogenic (1). 1 of the submissions does not count toward it. Last evaluated 2026-04-01.

Conditions:
Pendred syndrome (PDS). Also called: THYROID DYSHORMONOGENESIS 2B; THYROID HORMONOGENESIS, GENETIC DEFECT IN, 2B; Pendred Syndrome (PDS); Pendred's syndrome; DEAFNESS WITH GOITER; GOITER-DEAFNESS SYNDROME. Identifiers: Orphanet 705, MedGen C0271829, MONDO:0010134, OMIM 274600.
Autosomal recessive nonsyndromic hearing loss 4 (DFNB4). Also called: Enlarged vestibular aqueduct, digenic; Nonsyndromic enlarged vestibular aqueduct (NSEVA); FOXI1-Related Pendred Syndrome; KCNJ10-Related Pendred Syndrome; NEUROSENSORY NONSYNDROMIC RECESSIVE DEAFNESS 4; Deafness, autosomal recessive 4. Identifiers: Orphanet 90636, MedGen C3538946, MONDO:0010933, OMIM 600791.

Allele frequency attached by ClinVar (database versions not stated): TOPMed 0.00001.
gnomAD v4.1: 10 of 1,612,614 alleles (0.00062%); highest among the groups gnomAD compares: Admixed American, 0.015%; no homozygotes.

Submissions (9):

CeGaT Center for Human Genetics Tuebingen
Classification: Pathogenic. Last evaluated: 2026-04-01. Review status: criteria provided, single submitter. Criteria: CeGaT Center For Human Genetics Tuebingen Variant Classification Criteria Version 2. Collection method: clinical testing. Allele origin: germline. Affected: yes. Observed: 1 variant allele.
Comment: SLC26A4: PVS1, PM2

Natera, Inc.
Classification: Pathogenic for Pendred syndrome. Last evaluated: 2025-12-02. Review status: criteria provided, single submitter. Criteria: Natera Variant Classification Schema (03/2026). Collection method: clinical testing. Allele origin: germline.
Comment: The c.1001+1G>T variant in SLC26A4 is a canonical splice donor site variant predicted to affect pre-mRNA splicing, which may result in an abnormal transcript and altered protein product. This variant is expected to result in nonsense mediated decay, truncation, or a dysfunctional protein product. This variant is rare in the general population with a frequency below the threshold expected for the associated phenotype(s). Another variant at this same site results in an alteration predicted to cause a similar molecular effect has been observed in individual(s) with the associated phenotype. Given the available evidence, this variant is classified as Pathogenic.

Fulgent Genetics
Classification: Likely pathogenic for Pendred syndrome; Autosomal recessive nonsyndromic hearing loss 4. Last evaluated: 2024-04-17. Review status: criteria provided, single submitter. Criteria: ACMG Guidelines, 2015. Collection method: clinical testing. Allele origin: germline.

GeneDx
Classification: Pathogenic. Last evaluated: 2024-04-03. Review status: criteria provided, single submitter. Criteria: GeneDx Variant Classification Process June 2021. Collection method: clinical testing. Allele origin: germline. Affected: yes.
Comment: Reported in association with hearing loss in published literature listed in the Human Gene Mutation Database, but the content of the publication is not available to GeneDx (PMID: 18167283); Canonical splice site variant predicted to result in a null allele in a gene for which loss-of-function is a known mechanism of disease; This variant is associated with the following publications: (PMID: 25525159, 18167283)

Labcorp Genetics (formerly Invitae), Labcorp
Classification: Pathogenic. Last evaluated: 2024-02-06. Review status: criteria provided, single submitter. Criteria: Invitae Variant Classification Sherloc (09022015). Collection method: clinical testing. Allele origin: germline.
Comment: This sequence change affects a donor splice site in intron 8 of the SLC26A4 gene. It is expected to disrupt RNA splicing. Variants that disrupt the donor or acceptor splice site typically lead to a loss of protein function (PMID: 16199547), and loss-of-function variants in SLC26A4 are known to be pathogenic (PMID: 16283880, 25394566, 26252218, 26445815). This variant is present in population databases (rs80338849, gnomAD 0.01%). Disruption of this splice site has been observed in individuals with hearing loss (PMID: 9618167, 18167283, 26744121). ClinVar contains an entry for this variant (Variation ID: 370123). Algorithms developed to predict the effect of sequence changes on RNA splicing suggest that this variant may disrupt the consensus splice site. For these reasons, this variant has been classified as Pathogenic.

Baylor Genetics
Classification: Pathogenic for Autosomal recessive nonsyndromic hearing loss 4. Last evaluated: 2024-01-11. Review status: criteria provided, single submitter. Criteria: ACMG Guidelines, 2015. Collection method: clinical testing. Allele origin: unknown.

Genome-Nilou Lab
Classification: Pathogenic for Pendred syndrome. Last evaluated: 2021-09-05. Review status: criteria provided, single submitter. Criteria: ACMG Guidelines, 2015. Collection method: clinical testing. Allele origin: germline. Affected: no.

Eurofins Ntd Llc (ga)
Classification: Pathogenic. Last evaluated: 2017-08-08. Review status: criteria provided, single submitter. Criteria: EGL Classification Definitions 2015. Collection method: clinical testing. Allele origin: germline. Observed: 1 variant allele, 1 heterozygote.

Counsyl
Classification: Likely pathogenic for Pendred syndrome. Last evaluated: 2015-11-25. Review status: no assertion criteria provided. Collection method: clinical testing. Allele origin: unknown. Not counted in ClinVar's aggregate classification.

Literature cited by the submitters: PubMed 16199547 (cited by Labcorp Genetics (formerly Invitae), Labcorp); PubMed 16283880 (cited by Labcorp Genetics (formerly Invitae), Labcorp); PubMed 25394566 (cited by Labcorp Genetics (formerly Invitae), Labcorp); PubMed 26252218 (cited by Labcorp Genetics (formerly Invitae), Labcorp); PubMed 26445815 (cited by Labcorp Genetics (formerly Invitae), Labcorp); PubMed 9618167 (cited by Labcorp Genetics (formerly Invitae), Labcorp); PubMed 18167283 (cited by Labcorp Genetics (formerly Invitae), Labcorp and Counsyl); PubMed 26744121 (cited by Labcorp Genetics (formerly Invitae), Labcorp); PubMed 25525159 (cited by Counsyl).

NM_000441.2(SLC26A4):c.1001+1G>T

Gene: SLC26A4 (solute carrier family 26 member 4; plus strand). Cytogenetic location: 7q22.3.
Variant type: single nucleotide variant.
Coding change: c.1001+1G>T on transcript NM_000441.2 (MANE Select); the canonical splice donor site of the intron after coding-DNA position 1001, G replaced by T.
Molecular consequence: splice donor variant.
Genome position (GRCh38, 1-based): chr7:107,683,538, G>T. VCF-style: chr7-107683538-G-T. GRCh37 (hg19) VCF-style: chr7-107323983-G-T.
Identifiers: ClinVar variation 370123 (VCV000370123.25), dbSNP rs80338849, ClinGen allele CA4432643.